The following is an entry in ClinVar:

ClinVar aggregate classification (germline): Uncertain significance (1 of 4 stars; one submission).

Submission:

Labcorp Genetics (formerly Invitae), Labcorp
Classification: Uncertain significance. Last evaluated: 2024-11-29. Review status: criteria provided, single submitter. Criteria: Invitae Variant Classification Sherloc (09022015). Collection method: clinical testing. Allele origin: germline.
Comment: This sequence change falls in intron 6 of the RGR gene. It does not directly change the encoded amino acid sequence of the RGR protein. It affects a nucleotide within the consensus splice site. This variant is not present in population databases (gnomAD no frequency). This variant has not been reported in the literature in individuals affected with RGR-related conditions. Variants that disrupt the consensus splice site are a relatively common cause of aberrant splicing (PMID: 17576681, 9536098). Algorithms developed to predict the effect of sequence changes on RNA splicing suggest that this variant may disrupt the consensus splice site. In summary, the available evidence is currently insufficient to determine the role of this variant in disease. Therefore, it has been classified as a Variant of Uncertain Significance.

Literature cited by the submitters: PubMed 17576681; PubMed 9536098.

NM_001012720.2(RGR):c.745-3C>G

Gene: RGR (retinal G protein coupled receptor; plus strand). Cytogenetic location: 10q23.1.
Variant type: single nucleotide variant.
Coding change: c.745-3C>G on transcript NM_001012720.2 (MANE Select); 3 bases into the intron before coding-DNA position 745, C replaced by G.
Molecular consequence: intron variant.
Genome position (GRCh38, 1-based): chr10:84,258,505, C>G. VCF-style: chr10-84258505-C-G. GRCh37 (hg19) VCF-style: chr10-86018261-C-G.
Other names: c.757-3C>G (NM_002921.4); c.631-3C>G (NM_001012722.2).
Identifiers: ClinVar variation 3683600 (VCV003683600.2).